The following is an entry in ClinVar:

NM_000334.4(SCN4A):c.3018C>T (p.Tyr1006=)

Genes: GH-LCR (growth hormone locus control region; plus strand), SCN4A (sodium voltage-gated channel alpha subunit 4; minus strand). Cytogenetic location: 17q23.3.
Variant type: single nucleotide variant.
Coding change: c.3018C>T on transcript NM_000334.4 (MANE Select); coding-DNA position 3018, C replaced by T.
Protein change: p.Tyr1006=; no amino-acid change (tyrosine 1006 retained).
Molecular consequence: synonymous variant.
Genome position (GRCh38, 1-based): chr17:63,948,737, G>A on the plus strand (C>T on the coding strand, the complement: SCN4A is on the minus strand). VCF-style: chr17-63948737-G-A. GRCh37 (hg19) VCF-style: chr17-62026097-G-A.
Identifiers: ClinVar variation 731981 (VCV000731981.13), dbSNP rs755880799, ClinGen allele CA8709415.
Genomic context (GRCh38, chr17:63,948,737, plus strand): 5'-CTTGAAGCAGGCCCTGCGCAGAGTCCACCACTTCTTCCCACGGCCCTGGGAGATGTCCAC[G>A]TAGAGGCAGGGCCAGCGCTGCACGCAGGCTGATGGGGTGAGGGGGGACAGGGACAGGCAC-3'
Protein context (NP_000325.4, residues 996-1016): EACVQRWPCL[Tyr1006=]VDISQGRGKK

ClinVar aggregate classification (germline): Conflicting classifications of pathogenicity. Review status: criteria provided, conflicting classifications (1 of 4 stars). 3 submissions from 3 submitters: Uncertain significance (1); Likely benign (2). Last evaluated 2026-02-27.

Conditions:
Hyperkalemic periodic paralysis. Also called: Gamstorp disease; Familial hyperkalemic periodic paralysis. Identifiers: Orphanet 682, MedGen C0238357, MONDO:0008224, OMIM 170500, HP:0007215.

Allele frequency attached by ClinVar (database versions not stated): ExAC 0.00004; gnomAD exomes 0.00004 and 0.00008; gnomAD 0.00005 and 0.00006; TOPMed 0.00005.

Submissions (3):

GeneDx
Classification: Uncertain significance. Last evaluated: 2026-02-27. Review status: criteria provided, single submitter. Criteria: GeneDx Variant Classification Process June 2021. Collection method: clinical testing. Allele origin: germline.
Comment: Has not been previously published as pathogenic or benign to our knowledge; In silico analysis suggests this variant may impact gene splicing. In the absence of RNA/functional studies, the actual effect of this sequence change is unknown.

Labcorp Genetics (formerly Invitae), Labcorp
Classification: Likely benign for Hyperkalemic periodic paralysis. Last evaluated: 2025-11-23. Review status: criteria provided, single submitter. Criteria: Invitae Variant Classification Sherloc (09022015). Collection method: clinical testing. Allele origin: germline.

Blueprint Genetics
Classification: Likely benign. Last evaluated: 2022-10-26. Review status: criteria provided, single submitter. Criteria: ACMG Guidelines, 2015. Collection method: clinical testing. Allele origin: germline.